The following is an entry in ClinVar:

NM_001370466.1(NOD2):c.334C>T (p.Pro112Ser)

Gene: NOD2 (nucleotide binding oligomerization domain containing 2; plus strand). Cytogenetic location: 16q12.1.
Variant type: single nucleotide variant.
Coding change: c.334C>T on transcript NM_001370466.1 (MANE Select); coding-DNA position 334, C replaced by T.
Protein change: p.Pro112Ser; replaces proline 112 with serine.
Molecular consequence: missense variant. On other transcripts: non-coding transcript variant (1).
Genome position (GRCh38, 1-based): chr16:50,699,829, C>T. VCF-style: chr16-50699829-C-T. GRCh37 (hg19) VCF-style: chr16-50733740-C-T.
Other names: c.334C>T, p.Pro112Ser (NM_001293557.2); c.415C>T, p.Pro139Ser (NM_022162.3); c.415C>T (NM_022162.1); short protein forms P112S, P139S.
Identifiers: ClinVar variation 1486227 (VCV001486227.10), dbSNP rs749841667, ClinGen allele CA8051274.

ClinVar aggregate classification (germline): Uncertain significance. Review status: criteria provided, multiple submitters, no conflicts (2 of 4 stars). 2 submissions from 2 submitters: Uncertain significance (2). Last evaluated 2025-02-17.

Conditions:
Inborn genetic diseases. Identifiers: MedGen C0950123, MeSH D030342.
Regional enteritis. Also called: Enteritis, Granulomatous. Identifiers: MedGen C0678202, MeSH D003424.
Blau syndrome (BLAUS). Also called: GRANULOMATOSIS, FAMILIAL JUVENILE SYSTEMIC; GRANULOMATOSIS, FAMILIAL, BLAU TYPE; GRANULOMATOUS INFLAMMATORY ARTHRITIS, DERMATITIS, AND UVEITIS, FAMILIAL; JABS SYNDROME; ARTHROCUTANEOUVEAL GRANULOMATOSIS. Identifiers: Orphanet 90340, MedGen C5201146, MONDO:0008523, OMIM 186580.

Allele frequency attached by ClinVar (database versions not stated): ExAC 0.00001; gnomAD 0.00001; gnomAD exomes 0.00001; TOPMed 0.00001.
gnomAD v4.1: 13 of 1,613,478 alleles (0.00081%); highest among the groups gnomAD compares: Middle Eastern, 0.016%; no homozygotes.

Submissions (2):

Labcorp Genetics (formerly Invitae), Labcorp
Classification: Uncertain significance for Regional enteritis; Blau syndrome. Last evaluated: 2025-02-17. Review status: criteria provided, single submitter. Criteria: Invitae Variant Classification Sherloc (09022015). Collection method: clinical testing. Allele origin: germline.
Comment: This sequence change replaces proline, which is neutral and non-polar, with serine, which is neutral and polar, at codon 139 of the NOD2 protein (p.Pro139Ser). This variant is present in population databases (rs749841667, gnomAD 0.002%). This variant has not been reported in the literature in individuals affected with NOD2-related conditions. ClinVar contains an entry for this variant (Variation ID: 1486227). Invitae Evidence Modeling of protein sequence and biophysical properties (such as structural, functional, and spatial information, amino acid conservation, physicochemical variation, residue mobility, and thermodynamic stability) has been performed for this missense variant. However, the output from this modeling did not meet the statistical confidence thresholds required to predict the impact of this variant on NOD2 protein function. In summary, the available evidence is currently insufficient to determine the role of this variant in disease. Therefore, it has been classified as a Variant of Uncertain Significance.

Ambry Genetics
Classification: Uncertain significance for Inborn genetic diseases. Last evaluated: 2023-03-27. Review status: criteria provided, single submitter. Criteria: Ambry Variant Classification Scheme 2023. Collection method: clinical testing. Allele origin: germline.